The following is an entry in ClinVar:

NM_003001.5(SDHC):c.259A>C (p.Met87Leu)

Gene: SDHC (succinate dehydrogenase complex subunit C; plus strand). Cytogenetic location: 1q23.3.
Variant type: single nucleotide variant.
Coding change: c.259A>C on transcript NM_003001.5 (MANE Select); coding-DNA position 259, A replaced by C.
Protein change: p.Met87Leu; replaces methionine 87 with leucine.
Molecular consequence: missense variant. On other transcripts: non-coding transcript variant (1), intron variant (3).
Genome position (GRCh38, 1-based): chr1:161,356,694, A>C. VCF-style: chr1-161356694-A-C. GRCh37 (hg19) VCF-style: chr1-161326484-A-C.
Other names: c.157A>C, p.Met53Leu (NM_001035512.3); c.100A>C, p.Met34Leu (NM_001035513.3); c.379A>C, p.Met127Leu (NM_001407115.1); c.202A>C, p.Met68Leu (NM_001407116.1); c.196A>C, p.Met66Leu (NM_001407117.1); c.151A>C, p.Met51Leu (NM_001407118.1); c.148A>C, p.Met50Leu (NM_001407119.1, NM_001407120.1); c.242-5635A>C (NM_001035511.3); and 2 more; short protein forms M34L, M53L, M87L, M50L, M66L, M127L, M68L, M51L.
Identifiers: ClinVar variation 654515 (VCV000654515.13), dbSNP rs756382502, ClinGen allele CA047209.

ClinVar aggregate classification (germline): Conflicting classifications of pathogenicity. Review status: criteria provided, conflicting classifications (1 of 4 stars). 5 submissions from 5 submitters: Uncertain significance (4); Likely benign (1). Last evaluated 2025-10-07.

Conditions:
Pheochromocytoma/paraganglioma syndrome 3. Also called: SDHC-Related Hereditary Paraganglioma-Pheochromocytoma Syndrome (Paragangliomas 3); SDHC-Related Hereditary Paraganglioma-Pheochromocytoma Syndrome; GLOMUS TUMORS, FAMILIAL, 3; Paragangliomas 3. Identifiers: Orphanet 29072, MedGen C1854336, MONDO:0011544, OMIM 605373.
Gastrointestinal stromal tumor. Also called: Gastrointestinal stromal tumor, somatic; Gastrointestinal stroma tumor. Identifiers: Orphanet 44890, MedGen C0238198, MeSH D046152, MONDO:0011719, OMIM 606764, HP:0100723.
Hereditary cancer-predisposing syndrome. Also called: Neoplastic Syndromes, Hereditary; Tumor predisposition; Hereditary Cancer Syndrome; Hereditary neoplastic syndrome. Identifiers: Orphanet 140162, MedGen C0027672, MeSH D009386, MONDO:0015356.
Hereditary pheochromocytoma and paraganglioma. Also called: Hereditary paragangliomas and pheochromocytomas; Hereditary pheochromocytoma-paraganglioma; Hereditary Paraganglioma-Pheochromocytoma Syndromes. Identifiers: Orphanet 29072, MedGen C4274332, MONDO:0017366.

Allele frequency attached by ClinVar (database versions not stated): gnomAD 0.00001; gnomAD exomes 0.00004 and 0.00008; ExAC 0.00005.
gnomAD v4.1: 51 of 1,613,804 alleles (0.0032%); highest among the groups gnomAD compares: South Asian, 0.051%; no homozygotes.

Submissions (5):

Labcorp Genetics (formerly Invitae), Labcorp
Classification: Uncertain significance for Pheochromocytoma/paraganglioma syndrome 3; Gastrointestinal stromal tumor. Last evaluated: 2025-10-07. Review status: criteria provided, single submitter. Criteria: Invitae Variant Classification Sherloc (09022015). Collection method: clinical testing. Allele origin: germline.
Comment: This sequence change replaces methionine, which is neutral and non-polar, with leucine, which is neutral and non-polar, at codon 87 of the SDHC protein (p.Met87Leu). This variant is present in population databases (rs756382502, gnomAD 0.07%), and has an allele count higher than expected for a pathogenic variant. This variant has not been reported in the literature in individuals affected with SDHC-related conditions. ClinVar contains an entry for this variant (Variation ID: 654515). An algorithm developed to predict the effect of missense changes on protein structure and function outputs the following: PolyPhen-2: "Benign". The leucine amino acid residue is found in multiple mammalian species, which suggests that this missense change does not adversely affect protein function. In summary, the available evidence is currently insufficient to determine the role of this variant in disease. Therefore, it has been classified as a Variant of Uncertain Significance.

Molecular Pathology, Peter Maccallum Cancer Centre
Classification: Uncertain significance for Pheochromocytoma/paraganglioma syndrome 3. Last evaluated: 2025-04-11. Review status: criteria provided, single submitter. Criteria: ACMG Guidelines, 2015. Collection method: clinical testing. Allele origin: germline. Inheritance: Autosomal dominant inheritance.

GeneDx
Classification: Uncertain significance. Last evaluated: 2024-01-07. Review status: criteria provided, single submitter. Criteria: GeneDx Variant Classification Process June 2021. Collection method: clinical testing. Allele origin: germline. Affected: yes.
Comment: In silico analysis supports that this missense variant does not alter protein structure/function; Has not been previously published as pathogenic or benign to our knowledge

All of Us Research Program, National Institutes of Health
Classification: Uncertain significance for Hereditary pheochromocytoma and paraganglioma. Last evaluated: 2023-12-01. Review status: criteria provided, single submitter. Criteria: ACMG Guidelines, 2015. Collection method: clinical testing. Allele origin: germline. Inheritance: Autosomal dominant inheritance. Observed: 1 variant allele, 1 heterozygote.
Comment: This study involves interpretation of variants in research participants for the purpose of population health screening. Participant phenotype was not available at the time of variant classification. Additional details can be found in publication PMID: 35346344, PMCID: PMC8962531

Ambry Genetics
Classification: Likely benign for Hereditary cancer-predisposing syndrome. Last evaluated: 2019-09-25. Review status: criteria provided, single submitter. Criteria: Ambry Variant Classification Scheme 2023. Collection method: clinical testing. Allele origin: germline.